The following is an entry in ClinVar:

NM_000171.4(GLRA1):c.405C>A (p.His135Gln)

Gene: GLRA1 (glycine receptor alpha 1; minus strand). Cytogenetic location: 5q33.1.
Variant type: single nucleotide variant.
Coding change: c.405C>A on transcript NM_000171.4 (MANE Select); coding-DNA position 405, C replaced by A.
Protein change: p.His135Gln; replaces histidine 135 with glutamine.
Molecular consequence: missense variant.
Genome position (GRCh38, 1-based): chr5:151,859,856, G>T on the plus strand (C>A on the coding strand, the complement: GLRA1 is on the minus strand). VCF-style: chr5-151859856-G-T. GRCh37 (hg19) VCF-style: chr5-151239417-G-T.
Other names: c.405C>A, p.His135Gln (NM_001146040.2); c.156C>A, p.His52Gln (NM_001292000.2); short protein forms H135Q, H52Q.
Identifiers: ClinVar variation 2845872 (VCV002845872.3), dbSNP rs1195361809, ClinGen allele CA361841408.

ClinVar aggregate classification (germline): Uncertain significance (1 of 4 stars; one submission).

Conditions:
Hereditary hyperekplexia. Identifiers: Orphanet 3197, MedGen C4084968, MONDO:0021022.

Allele frequency attached by ClinVar (database versions not stated): TOPMed below 0.00001; gnomAD 0.00001.
gnomAD v4.1: 1 of 1,614,016 alleles (0.000062%); highest among the groups gnomAD compares: Admixed American, 0.0017%; no homozygotes.

Submission:

Labcorp Genetics (formerly Invitae), Labcorp
Classification: Uncertain significance for Hereditary hyperekplexia. Last evaluated: 2024-09-27. Review status: criteria provided, single submitter. Criteria: Invitae Variant Classification Sherloc (09022015). Collection method: clinical testing. Allele origin: germline.
Comment: This sequence change replaces histidine, which is basic and polar, with glutamine, which is neutral and polar, at codon 135 of the GLRA1 protein (p.His135Gln). This variant is not present in population databases (gnomAD no frequency). This variant has not been reported in the literature in individuals affected with GLRA1-related conditions. Invitae Evidence Modeling of protein sequence and biophysical properties (such as structural, functional, and spatial information, amino acid conservation, physicochemical variation, residue mobility, and thermodynamic stability) has been performed for this missense variant. However, the output from this modeling did not meet the statistical confidence thresholds required to predict the impact of this variant on GLRA1 protein function. In summary, the available evidence is currently insufficient to determine the role of this variant in disease. Therefore, it has been classified as a Variant of Uncertain Significance.